The following is an entry in ClinVar:

ClinVar aggregate classification (germline): Uncertain significance (1 of 4 stars; one submission).

Submission:

Labcorp Genetics (formerly Invitae), Labcorp
Classification: Uncertain significance. Last evaluated: 2022-06-09. Review status: criteria provided, single submitter. Criteria: Invitae Variant Classification Sherloc (09022015). Collection method: clinical testing. Allele origin: germline.
Comment: In summary, the available evidence is currently insufficient to determine the role of this variant in disease. Therefore, it has been classified as a Variant of Uncertain Significance. Algorithms developed to predict the effect of missense changes on protein structure and function (SIFT, PolyPhen-2, Align-GVGD) all suggest that this variant is likely to be tolerated. This variant has not been reported in the literature in individuals affected with PDSS2-related conditions. This variant is present in population databases (no rsID available, gnomAD 0.0009%). This sequence change replaces isoleucine, which is neutral and non-polar, with serine, which is neutral and polar, at codon 157 of the PDSS2 protein (p.Ile157Ser).

NM_020381.4(PDSS2):c.470T>G (p.Ile157Ser)

Gene: PDSS2 (decaprenyl diphosphate synthase subunit 2; minus strand). Cytogenetic location: 6q21.
Variant type: single nucleotide variant.
Coding change: c.470T>G on transcript NM_020381.4 (MANE Select); coding-DNA position 470, T replaced by G.
Protein change: p.Ile157Ser; replaces isoleucine 157 with serine.
Molecular consequence: missense variant.
Genome position (GRCh38, 1-based): chr6:107,274,189, A>C on the plus strand (T>G on the coding strand, the complement: PDSS2 is on the minus strand). VCF-style: chr6-107274189-A-C. GRCh37 (hg19) VCF-style: chr6-107595393-A-C.
Other names: short protein forms I157S.
Identifiers: ClinVar variation 1963515 (VCV001963515.5), dbSNP rs1304811981, ClinGen allele CA365324519.
Genomic context (GRCh38, chr6:107,274,189, plus strand): 5'-GGACCATCAGATGATTGCAACTCATTTAAATTTACTATCCCACGATGTACAAGGAGAGCA[A>C]TATGAATTAGCTCCGTGATCTCTGCCAAACTTCTTTGACTAAAACATAAAGGTAAGATTT-3'
Protein context (NP_065114.3, residues 147-167): SLAEITELIH[Ile157Ser]ALLVHRGIVN